The following is an entry in ClinVar:

ClinVar aggregate classification (germline): Uncertain significance (1 of 4 stars; one submission).

Submission:

CeGaT Center for Human Genetics Tuebingen
Classification: Uncertain significance. Last evaluated: 2023-12-01. Review status: criteria provided, single submitter. Criteria: CeGaT Center For Human Genetics Tuebingen Variant Classification Criteria Version 2. Collection method: clinical testing. Allele origin: germline. Affected: yes. Observed: 1 variant allele.
Comment: G6PD: PM2, PM5, PP2

NM_001360016.2(G6PD):c.97A>G (p.Ile33Val)

Genes: G6PD (glucose-6-phosphate dehydrogenase; minus strand), IKBKG (inhibitor of nuclear factor kappa B kinase regulatory subunit gamma; plus strand). Cytogenetic location: Xq28.
Variant type: single nucleotide variant.
Coding change: c.97A>G on transcript NM_001360016.2 (MANE Select); coding-DNA position 97, A replaced by G.
Protein change: p.Ile33Val; replaces isoleucine 33 with valine.
Molecular consequence: missense variant. On other transcripts: intron variant (4).
Genome position (GRCh38, 1-based): chrX:154,546,059, T>C on the plus strand (A>G on the coding strand, the complement: G6PD is on the minus strand). VCF-style: chrX-154546059-T-C. GRCh37 (hg19) VCF-style: chrX-153774274-T-C.
Other names: c.187A>G, p.Ile63Val (NM_000402.4); c.97A>G, p.Ile33Val (NM_001042351.3); c.-16+4668T>C (NM_001377312.1, NM_001377313.1); c.189+3607T>C (NM_001099856.6); c.-16+3672T>C (NM_001321396.3); short protein forms I33V, I63V.
Identifiers: ClinVar variation 3025953 (VCV003025953.20), dbSNP rs2070702712, ClinGen allele CA415201977.